The following is an entry in ClinVar:

ClinVar aggregate classification (germline): Uncertain significance. Review status: criteria provided, multiple submitters, no conflicts (2 of 4 stars). 2 submissions from 2 submitters: Uncertain significance (2). Last evaluated 2025-10-22.

Conditions:
Hereditary cancer-predisposing syndrome. Also called: Neoplastic Syndromes, Hereditary; Hereditary Cancer Syndrome; Tumor predisposition; Hereditary neoplastic syndrome. Identifiers: Orphanet 140162, MedGen C0027672, MeSH D009386, MONDO:0015356.
Neuroblastoma, susceptibility to, 3. Also called: ALK-Related Neuroblastic Tumor Susceptibility. Identifiers: Orphanet 635, MedGen C2751681, MONDO:0013083, OMIM 613014.

Allele frequency attached by ClinVar (database versions not stated): gnomAD exomes below 0.00001; TOPMed below 0.00001.
gnomAD v4.1: 4 of 1,613,982 alleles (0.00025%); highest among the groups gnomAD compares: Non-Finnish European, 0.00034%; no homozygotes.

Submissions (2):

Ambry Genetics
Classification: Uncertain significance for Hereditary cancer-predisposing syndrome. Last evaluated: 2025-10-22. Review status: criteria provided, single submitter. Criteria: Ambry Variant Classification Scheme 2023. Collection method: clinical testing. Allele origin: germline.
Comment: The p.P230L variant (also known as c.689C>T), located in coding exon 2 of the ALK gene, results from a C to T substitution at nucleotide position 689. The proline at codon 230 is replaced by leucine, an amino acid with similar properties. This amino acid position is conserved. In addition, this alteration is predicted to be tolerated by in silico analysis. Based on the available evidence, the clinical significance of this variant remains unclear.

Labcorp Genetics (formerly Invitae), Labcorp
Classification: Uncertain significance for Neuroblastoma, susceptibility to, 3. Last evaluated: 2023-07-07. Review status: criteria provided, single submitter. Criteria: Invitae Variant Classification Sherloc (09022015). Collection method: clinical testing. Allele origin: germline.
Comment: In summary, the available evidence is currently insufficient to determine the role of this variant in disease. Therefore, it has been classified as a Variant of Uncertain Significance. An algorithm developed to predict the effect of missense changes on protein structure and function (PolyPhen-2) suggests that this variant is likely to be disruptive. ClinVar contains an entry for this variant (Variation ID: 1510286). This variant has not been reported in the literature in individuals affected with ALK-related conditions. This variant is not present in population databases (gnomAD no frequency). This sequence change replaces proline, which is neutral and non-polar, with leucine, which is neutral and non-polar, at codon 230 of the ALK protein (p.Pro230Leu).

NM_004304.5(ALK):c.689C>T (p.Pro230Leu)

Gene: ALK (ALK receptor tyrosine kinase; minus strand). Cytogenetic location: 2p23.2.
Variant type: single nucleotide variant.
Coding change: c.689C>T on transcript NM_004304.5 (MANE Select); coding-DNA position 689, C replaced by T.
Protein change: p.Pro230Leu; replaces proline 230 with leucine.
Molecular consequence: missense variant.
Genome position (GRCh38, 1-based): chr2:29,717,676, G>A on the plus strand (C>T on the coding strand, the complement: ALK is on the minus strand). VCF-style: chr2-29717676-G-A. GRCh37 (hg19) VCF-style: chr2-29940542-G-A.
Other names: c.689C>T (NM_004304.4); short protein forms P230L.
Identifiers: ClinVar variation 1510286 (VCV001510286.9), dbSNP rs1679303194, ClinGen allele CA346587809.